The following is an entry in ClinVar:

NM_000275.3(OCA2):c.2014_2016delinsT (p.Ile672fs)

Gene: OCA2 (OCA2 melanosomal transmembrane protein; minus strand). Cytogenetic location: 15q13.1.
Variant type: Indel.
Coding change: c.2014_2016delinsT on transcript NM_000275.3 (MANE Select); coding-DNA positions 2014 to 2016, ATA replaced by T.
Protein change: p.Ile672fs; shifts the reading frame from isoleucine 672.
Molecular consequence: frameshift variant.
Genome position (GRCh38, 1-based): chr15:27,926,190-27,926,192, TAT replaced by A on the plus strand (ATA replaced by T on the coding strand, the reverse complement: OCA2 is on the minus strand). VCF-style: chr15-27926190-TAT-A. GRCh37 (hg19) VCF-style: chr15-28171336-TAT-A.
Other names: c.1942_1944delinsT, p.Ile648fs (NM_001300984.2); short protein forms I648fs, I672fs.
Identifiers: ClinVar variation 2632291 (VCV002632291.1), dbSNP rs2506065436, ClinGen allele CA2695197229.

ClinVar aggregate classification (germline): Pathogenic (1 of 4 stars; one submission).

Conditions:
OCA2-related disorder. Also called: OCA2-related condition.

Submission:

PreventionGenetics, part of Exact Sciences
Classification: Pathogenic for OCA2-related condition. Last evaluated: 2023-05-25. Review status: criteria provided, single submitter. Criteria: ACMG Guidelines, 2015. Collection method: clinical testing. Allele origin: germline.
Comment: The OCA2 c.2014_2016delinsT variant is predicted to result in a frameshift and premature protein termination (p.Ile672Tyrfs*68). To our knowledge, this variant has not been reported in the literature or in a large population database, indicating this variant is rare. Frameshift variants in OCA2 are expected to be pathogenic. Therefore we interpret c.2014_2016delinsT (p.Ile672Tyrfs*68) as pathogenic.